The following is an entry in ClinVar:

NC_000002.12:g.181680581del

Gene: NEUROD1 (neuronal differentiation 1; minus strand). Cytogenetic location: 2q31.3.
Variant type: Deletion.
Genome position: GRCh38 VCF-style: chr2-181680579-GC-G. GRCh37 (hg19) VCF-style: chr2-182545306-GC-G.
Identifiers: ClinVar variation 4774667 (VCV004774667.1).

ClinVar aggregate classification (germline): Uncertain significance (1 of 4 stars; one submission).

Submission:

Labcorp Genetics (formerly Invitae), Labcorp
Classification: Uncertain significance. Last evaluated: 2025-12-01. Review status: criteria provided, single submitter. Criteria: Invitae Variant Classification Sherloc (09022015). Collection method: clinical testing. Allele origin: germline.
Comment: This variant occurs in a non-coding region of the NEUROD1 gene. It does not change the encoded amino acid sequence of the NEUROD1 protein. This variant is not present in population databases (gnomAD no frequency). This variant has not been reported in the literature in individuals affected with NEUROD1-related conditions. Experimental studies and prediction algorithms are not available or were not evaluated, and the functional significance of this variant is currently unknown. In summary, the available evidence is currently insufficient to determine the role of this variant in disease. Therefore, it has been classified as a Variant of Uncertain Significance.